The following is an entry in ClinVar:

NM_007055.4(POLR3A):c.2081G>A (p.Arg694His)

Gene: POLR3A (RNA polymerase III subunit A; minus strand). Cytogenetic location: 10q22.3.
Variant type: single nucleotide variant.
Coding change: c.2081G>A on transcript NM_007055.4 (MANE Select); coding-DNA position 2081, G replaced by A.
Protein change: p.Arg694His; replaces arginine 694 with histidine.
Molecular consequence: missense variant.
Genome position (GRCh38, 1-based): chr10:78,004,882, C>T on the plus strand (G>A on the coding strand, the complement: POLR3A is on the minus strand). VCF-style: chr10-78004882-C-T. GRCh37 (hg19) VCF-style: chr10-79764640-C-T.
Other names: NM_007055.4(POLR3A):c.2081G>A; p.Arg694His; short protein forms R694H.
Identifiers: ClinVar variation 878363 (VCV000878363.7), dbSNP rs376405070, ClinGen allele CA5571217.

ClinVar aggregate classification (germline): Uncertain significance. Review status: criteria provided, multiple submitters, no conflicts (2 of 4 stars). 3 submissions from 3 submitters: Uncertain significance (3). Last evaluated 2025-11-10.

Conditions:
Leukodystrophy. Identifiers: Orphanet 68356, MedGen C0023520, MONDO:0019046, HP:0002415.
Leukodystrophy, hypomyelinating, 7, with or without oligodontia and/or hypogonadotropic hypogonadism (HLD7). Also called: LEUKOENCEPHALOPATHY, HYPOMYELINATING, WITH ATAXIA AND DELAYED DENTITION; ATAXIA, DELAYED DENTITION, AND HYPOMYELINATION; LEUKODYSTROPHY, HYPOMYELINATING, 7, WITH OLIGODONTIA; LEUKODYSTROPHY, HYPOMYELINATING, 7, WITH OLIGODONTIA AND HYPOGONADOTROPIC HYPOGONADISM; LEUKODYSTROPHY, HYPOMYELINATING, 7, WITHOUT OLIGODONTIA OR HYPOGONADOTROPIC HYPOGONADISM; Ataxia, Delayed Dentition and Hypomyelination (ADDH). Identifiers: Orphanet 137639, Orphanet 447893, Orphanet 447896, Orphanet 77295, Orphanet 88637, MedGen CN034185, MONDO:0011897, OMIM 607694.
4H syndrome.

Allele frequency attached by ClinVar (database versions not stated): ExAC 0.00001; TOPMed 0.00002; ESP Exome Variant Server 0.00008; gnomAD 0.00002; gnomAD exomes 0.00002.
gnomAD v4.1: 27 of 1,613,876 alleles (0.0017%); highest among the groups gnomAD compares: Non-Finnish European, 0.002%; no homozygotes.

Submissions (3):

Dasa
Classification: Uncertain significance for 4H syndrome. Last evaluated: 2025-11-10. Review status: criteria provided, single submitter. Criteria: DASA Assertion Criteria. Collection method: clinical testing. Allele origin: germline.
Comment: NM_007055.4(POLR3A):c.2081G>A (p.Arg694His) is a missense variant that results in the substitution of arginine with histidine. This variant has been reported in individuals with POLR3A-related disorders (PMID: 34440436). Also, this variant is rare in population databases. The currently available literature and clinical evidence are not sufficient to establish a definitive association between this variant and the reported condition. Therefore, this variant is classified as a variant of uncertain significance.

Broad Center for Mendelian Genomics, Broad Institute of MIT and Harvard
Classification: Uncertain significance for Leukodystrophy. Last evaluated: 2024-01-24. Review status: criteria provided, single submitter. Criteria: ACMG Guidelines, 2015. Collection method: curation. Allele origin: germline. Inheritance: Autosomal recessive inheritance.
Comment: The p.Arg694His variant in POLR3A has been reported in one individual, in the compound heterozygous state, with hypomyelinating leukodystrophy (PMID: 34440436), and has been identified in 0.004% (1/24972) of African chromosomes by the Genome Aggregation Database (gnomAD; dbSNP ID: rs376405070). Although this variant has been seen in the general population in a heterozygous state, its frequency is low enough to be consistent with a recessive carrier frequency. This variant has also been reported in ClinVar (Variation ID#: 878363) and has been interpreted as a variant of uncertain significance by Illumina Laboratory Services (Illumina). Computational prediction tools and conservation analyses do not provide strong support for or against an impact to the protein. In summary, the clinical significance of the p.Arg694His variant is uncertain. ACMG/AMP Criteria applied: PM3, PM2_supporting (Richards 2015).

Illumina Laboratory Services, Illumina
Classification: Uncertain significance for Leukodystrophy, hypomyelinating, 7, with or without oligodontia and/or hypogonadotropic hypogonadism. Last evaluated: 2018-01-12. Review status: criteria provided, single submitter. Criteria: ICSL Variant Classification Criteria 13 December 2019. Collection method: clinical testing. Allele origin: germline.

Literature cited by the submitters: PubMed 34440436 (cited by Dasa).